The following is an entry in ClinVar:

ClinVar aggregate classification (germline): Uncertain significance (1 of 4 stars; one submission).

gnomAD v4.1: 3 of 1,612,318 alleles (0.00019%); highest among the groups gnomAD compares: African/African-American, 0.0013%; no homozygotes.

Submission:

GeneDx
Classification: Uncertain significance. Last evaluated: 2025-01-28. Review status: criteria provided, single submitter. Criteria: GeneDx Variant Classification Process June 2021. Collection method: clinical testing. Allele origin: germline. Affected: yes.
Comment: Not observed at significant frequency in large population cohorts (gnomAD); Missense variant in a gene in which most reported pathogenic variants are truncating/loss of function; Has not been previously published as pathogenic or benign to our knowledge

NM_001267550.2(TTN):c.45155G>A (p.Cys15052Tyr)

Genes: TTN (titin; minus strand), LOC126806427 (BRD4-independent group 4 enhancer GRCh37_chr2:179485777-179486976; plus strand). Cytogenetic location: 2q31.2.
Variant type: single nucleotide variant.
Coding change: c.45155G>A on transcript NM_001267550.2 (MANE Select); coding-DNA position 45155, G replaced by A.
Protein change: p.Cys15052Tyr; replaces cysteine 15052 with tyrosine.
Molecular consequence: missense variant.
Genome position (GRCh38, 1-based): chr2:178,621,669, C>T on the plus strand (G>A on the coding strand, the complement: TTN is on the minus strand). VCF-style: chr2-178621669-C-T. GRCh37 (hg19) VCF-style: chr2-179486396-C-T.
Other names: c.40232G>A, p.Cys13411Tyr (NM_001256850.1); c.17960G>A, p.Cys5987Tyr (NM_003319.4); c.37451G>A, p.Cys12484Tyr (NM_133378.4); c.18335G>A, p.Cys6112Tyr (NM_133432.3); c.18536G>A, p.Cys6179Tyr (NM_133437.4); short protein forms C12484Y, C13411Y, C15052Y, C5987Y, C6112Y, C6179Y.
Identifiers: ClinVar variation 4071907 (VCV004071907.1).